The following is an entry in ClinVar:

NM_001127222.2(CACNA1A):c.1361G>A (p.Arg454Gln)

Gene: CACNA1A (calcium voltage-gated channel subunit alpha1 A; minus strand). Cytogenetic location: 19p13.13.
Variant type: single nucleotide variant.
Coding change: c.1361G>A on transcript NM_001127222.2 (MANE Select); coding-DNA position 1361, G replaced by A.
Protein change: p.Arg454Gln; replaces arginine 454 with glutamine.
Molecular consequence: missense variant.
Genome position (GRCh38, 1-based): chr19:13,317,306, C>T on the plus strand (G>A on the coding strand, the complement: CACNA1A is on the minus strand). VCF-style: chr19-13317306-C-T. GRCh37 (hg19) VCF-style: chr19-13428120-C-T.
Other names: c.1364G>A, p.Arg455Gln (NM_000068.4, NM_001127221.2, NM_001174080.2 and 1 more transcripts); short protein forms R455Q, R454Q.
Identifiers: ClinVar variation 392083 (VCV000392083.69), dbSNP rs561858384, ClinGen allele CA9240830.
Genomic context (GRCh38, chr19:13,317,306, plus strand): 5'-CTCCTCTCCTTTTTGTGAAAAAAGGTCGAGTTCTCCAGCTTGGCACTTTTAATGCTGGCT[C>T]GGGCGAAGGGAGAACCTGCCAGGGAAAAGATGGAGAATGTCAGGCTCAGGCTGTTCCTTC-3'
Protein context (NP_001120694.1, residues 444-464): DIASVGSPFA[Arg454Gln]ASIKSAKLEN

ClinVar aggregate classification (germline): Conflicting classifications of pathogenicity. Review status: criteria provided, conflicting classifications (1 of 4 stars). 10 submissions from 10 submitters: Uncertain significance (8); Likely benign (1). 1 of the submissions does not count toward it. Last evaluated 2025-11-24.

Conditions:
Developmental and epileptic encephalopathy, 42 (DEE42A). Also called: DEVELOPMENTAL AND EPILEPTIC ENCEPHALOPATHY 42A; EPILEPTIC ENCEPHALOPATHY, EARLY INFANTILE, 42A; Epileptic encephalopathy, early infantile, 42. Identifiers: MedGen C4310716, MONDO:0014917, OMIM 617106.
Episodic ataxia type 2 (EA2). Also called: ATAXIA, EPISODIC, WITH NYSTAGMUS; ATAXIA, FAMILIAL PAROXYSMAL; CEREBELLAR ATAXIA, PAROXYSMAL, ACETAZOLAMIDE-RESPONSIVE; CEREBELLOPATHY, HEREDITARY PAROXYSMAL; ACETAZOLAMIDE-RESPONSIVE HEREDITARY PAROXYSMAL CEREBELLAR ATAXIA; EPISODIC ATAXIA, NYSTAGMUS-ASSOCIATED. Identifiers: Orphanet 97, MedGen C1720416, MONDO:0007163, OMIM 108500.
Inborn genetic diseases. Identifiers: MedGen C0950123, MeSH D030342.
Tip-toe gait. Also called: Toe walking. Identifiers: MedGen C0427144, HP:0030051.

Allele frequency attached by ClinVar (database versions not stated): ExAC 0.00003; gnomAD 0.00003 and 0.00004; gnomAD exomes 0.00003 and 0.00010; TOPMed 0.00009; 1000 Genomes Project 30x 0.00016; 1000 Genomes Project 0.00020.
gnomAD v4.1: 146 of 1,605,006 alleles (0.0091%); highest among the groups gnomAD compares: Middle Eastern, 0.017%; no homozygotes.

Submissions (10):

Labcorp Genetics (formerly Invitae), Labcorp
Classification: Likely benign for Developmental and epileptic encephalopathy, 42; Episodic ataxia type 2. Last evaluated: 2025-11-24. Review status: criteria provided, single submitter. Criteria: Invitae Variant Classification Sherloc (09022015). Collection method: clinical testing. Allele origin: germline.

CeGaT Center for Human Genetics Tuebingen
Classification: Uncertain significance. Last evaluated: 2025-07-01. Review status: criteria provided, single submitter. Criteria: CeGaT Center For Human Genetics Tuebingen Variant Classification Criteria Version 2. Collection method: clinical testing. Allele origin: germline. Affected: yes. Observed: 4 variant alleles.
Comment: CACNA1A: PS4:Supporting

Blueprint Genetics
Classification: Uncertain significance. Last evaluated: 2024-10-03. Review status: criteria provided, single submitter. Criteria: ACMG Guidelines, 2015. Collection method: clinical testing. Allele origin: germline.

GeneDx
Classification: Uncertain significance. Last evaluated: 2023-08-28. Review status: criteria provided, single submitter. Criteria: GeneDx Variant Classification Process June 2021. Collection method: clinical testing. Allele origin: germline. Affected: yes.
Comment: Reported in an individual with episodic ataxia in published literature (Isaacs et al., 2017).; In silico analysis supports that this missense variant has a deleterious effect on protein structure/function; This variant is associated with the following publications: (PMID: 32899500, 32116539, 28540055)

Women's Health and Genetics/Laboratory Corporation of America, LabCorp
Classification: Uncertain significance. Last evaluated: 2023-07-21. Review status: criteria provided, single submitter. Criteria: LabCorp Variant Classification Summary - May 2015. Collection method: clinical testing. Allele origin: germline.
Comment: Variant summary: CACNA1A c.1364G>A (p.Arg455Gln) results in a conservative amino acid change located in the ion transport domain (IPR005821) of the encoded protein sequence. Four of five in-silico tools predict a damaging effect of the variant on protein function. The variant allele was found at a frequency of 3.2e-05 in 248320 control chromosomes (gnomAD). The available data on variant occurrences in the general population are insufficient to allow any conclusion about variant significance. c.1364G>A has been reported in the literature in the heterozygous state in an individual with symptoms consistent with Episodic Ataxia (Isaacs_2017). These data do not allow any conclusion about variant significance. To our knowledge, no experimental evidence demonstrating an impact on protein function has been reported. The following publication has been ascertained in the context of this evaluation (PMID: 28540055). Seven submitters have cited clinical-significance assessments for this variant to ClinVar after 2014. Multiple submitters reported the variant with conflicting assessments, classifying the variant as either VUS (n=5), likely pathogenic (n=1), or likely benign (n=1). Based on the evidence outlined above, the variant was classified as uncertain significance.

Genetic Services Laboratory, University of Chicago
Classification: Uncertain significance. Last evaluated: 2017-08-31. Review status: criteria provided, single submitter. Criteria: ACMG Guidelines, 2015. Collection method: clinical testing. Allele origin: germline. Affected: no.

Eurofins Ntd Llc (ga)
Classification: Uncertain significance. Last evaluated: 2017-01-03. Review status: criteria provided, single submitter. Criteria: EGL Classification Definitions 2015. Collection method: clinical testing. Allele origin: germline. Observed: 1 variant allele, 1 heterozygote.

Athena Diagnostics
Classification: Uncertain significance. Last evaluated: 2016-09-26. Review status: criteria provided, single submitter. Criteria: Athena Diagnostics Criteria. Collection method: clinical testing. Allele origin: germline.

Ambry Genetics
Classification: Uncertain significance for Inborn genetic diseases. Last evaluated: 2016-05-17. Review status: criteria provided, single submitter. Criteria: Ambry Variant Classification Scheme 2023. Collection method: clinical testing. Allele origin: germline.
Comment: The p.R455Q variant (also known as c.1364G>A), located in coding exon 11 of the CACNA1A gene, results from a G to A substitution at nucleotide position 1364. The arginine at codon 455 is replaced by glutamine, an amino acid with highly similar properties. This variant was not reported in population based cohorts in the following databases: Database of Single Nucleotide Polymorphisms (dbSNP), NHLBI Exome Sequencing Project (ESP), and 1000 Genomes Project. In the ESP, this variant was not observed in 6014 samples (12028 alleles) with coverage at this position. This amino acid position is highly conserved in available vertebrate species. In addition, the in silico prediction for this alteration is inconclusive. Based on available evidence to date, the clinical significance of this variant remains unclear.

Practice for Gait Abnormalities, David Pomarino, Competency Network Toe Walking C/o Practice Pomarino
Classification: Likely pathogenic for Tip-toe gait. Last evaluated: 2021-11-08. Review status: no assertion criteria provided. Collection method: clinical testing. Allele origin: germline. Affected: yes. Not counted in ClinVar's aggregate classification.
Comment: Hereditary motor sensory neuropathy (HMSN), also known as Charcot-Marie-Tooth Disease (CMT), is the most commonly inherited peripheral polyneuropathy. It constitutes a group of inherited, progressive, motor and sensory peripheral nerve disorders with properties of demyelination, axonal degeneration, or both. It is classified by clinical characteristics, modes of inheritance, electrophysiologic features, metabolic defects, and specific gene markers. Our patients all walk on tiptoe, so they show similar symptoms. When we genetically test them with our toe walking panel, we find that around 90 per cent of them have a genetic variant that explains their toe walking. These can be assigned, for example, to the area of myopathies (such as variants of the COL6A3 gene), the area of hereditary neuropathies (such as variants of the KMT2C gene) or the area of metabolic diseases (such as variants of the PYGM gene). In a smaller group of patients with almost identical symptoms, no abnormality is found in the genes of our panel, but spastic paraplegia can be detected. In another small group of our toe walkers, no abnormalities can be detected in the genes analysed in our toe walking panel, nor do they suffer from spastic paraplegia, as is also the case with healthy children. In contrast to these, however, they show a tiptoe gait. These patients suffer from infantile cerebral palsy, in which toe walking can also be observed.

Literature cited by the submitters: PubMed 28540055 (cited by Women's Health and Genetics/Laboratory Corporation of America, LabCorp); PubMed 37091313 (cited by Practice for Gait Abnormalities, David Pomarino, Competency Network Toe Walking C/o Practice Pomarino).